The following is an entry in ClinVar:

ClinVar aggregate classification (germline): Uncertain significance (1 of 4 stars; one submission).

Submission:

Ambry Genetics
Classification: Uncertain significance. Last evaluated: 2025-09-21. Review status: criteria provided, single submitter. Criteria: Ambry Variant Classification Scheme 2023. Collection method: clinical testing. Allele origin: germline.
Comment: The p.K113N variant (also known as c.339G>C), located in coding exon 1 of the EGLN1 gene, results from a G to C substitution at nucleotide position 339. The lysine at codon 113 is replaced by asparagine, an amino acid with similar properties. This amino acid position is conserved. In addition, this alteration is predicted to be tolerated by in silico analysis. Based on the available evidence, the clinical significance of this variant remains unclear.

NM_022051.3(EGLN1):c.339G>C (p.Lys113Asn)

Gene: EGLN1 (egl-9 family hypoxia inducible factor 1; minus strand). Cytogenetic location: 1q42.2.
Variant type: single nucleotide variant.
Coding change: c.339G>C on transcript NM_022051.3 (MANE Select); coding-DNA position 339, G replaced by C.
Protein change: p.Lys113Asn; replaces lysine 113 with asparagine.
Molecular consequence: missense variant.
Genome position (GRCh38, 1-based): chr1:231,421,550, C>G on the plus strand (G>C on the coding strand, the complement: EGLN1 is on the minus strand). VCF-style: chr1-231421550-C-G. GRCh37 (hg19) VCF-style: chr1-231557296-C-G.
Other names: c.339G>C, p.Lys113Asn (NM_001377260.1, NM_001377261.1); short protein forms K113N.
Identifiers: ClinVar variation 4663404 (VCV004663404.1).
Genomic context (GRCh38, chr1:231,421,550, plus strand): 5'-GCCGCCGGCGGCCGCACGACACGGCGACGCGGCCGCCGCTGGGTCGGCCGGGGGCTTGGC[C>G]TTTACTTTTCCCTTGGCCGCGTCCCCGGAGGCGTTGTCCCGGCGCGCCGCTGCCTTCCTG-3'
Protein context (NP_071334.1, residues 103-123): ASGDAAKGKV[Lys113Asn]AKPPADPAAA